The following is an entry in ClinVar:

NM_000245.4(MET):c.1739G>A (p.Arg580Lys)

Gene: MET (MET proto-oncogene, receptor tyrosine kinase; plus strand). Cytogenetic location: 7q31.2.
Variant type: single nucleotide variant.
Coding change: c.1739G>A on transcript NM_000245.4 (MANE Select); coding-DNA position 1739, G replaced by A.
Protein change: p.Arg580Lys; replaces arginine 580 with lysine.
Molecular consequence: missense variant.
Genome position (GRCh38, 1-based): chr7:116,755,392, G>A. VCF-style: chr7-116755392-G-A. GRCh37 (hg19) VCF-style: chr7-116395446-G-A.
Other names: c.1739G>A, p.Arg580Lys (NM_001127500.3, NM_001324401.3); c.449G>A, p.Arg150Lys (NM_001324402.2); short protein forms R580K, R150K.
Identifiers: ClinVar variation 135962 (VCV000135962.8), dbSNP rs201975130, ClinGen allele CA332667.

ClinVar aggregate classification (germline): Conflicting classifications of pathogenicity. Review status: criteria provided, conflicting classifications (1 of 4 stars). 2 submissions from 2 submitters: Uncertain significance (1); Likely benign (1). Last evaluated 2024-09-26.

Conditions:
Renal cell carcinoma. Identifiers: Orphanet 217071, MedGen C0007134, MeSH D002292, MONDO:0005086, HP:0005584.
Hereditary cancer-predisposing syndrome. Also called: Tumor predisposition; Hereditary neoplastic syndrome; Neoplastic Syndromes, Hereditary; Hereditary Cancer Syndrome. Identifiers: Orphanet 140162, MedGen C0027672, MeSH D009386, MONDO:0015356.

Allele frequency attached by ClinVar (database versions not stated): gnomAD exomes below 0.00001; TOPMed below 0.00001; gnomAD 0.00001.
gnomAD v4.1: 2 of 1,613,956 alleles (0.00012%); highest among the groups gnomAD compares: Non-Finnish European, 0.000085%; no homozygotes.

Submissions (2):

Ambry Genetics
Classification: Likely benign for Hereditary cancer-predisposing syndrome. Last evaluated: 2024-09-26. Review status: criteria provided, single submitter. Criteria: Ambry Variant Classification Scheme 2023. Collection method: clinical testing. Allele origin: germline.

Labcorp Genetics (formerly Invitae), Labcorp
Classification: Uncertain significance for Renal cell carcinoma. Last evaluated: 2024-07-01. Review status: criteria provided, single submitter. Criteria: Invitae Variant Classification Sherloc (09022015). Collection method: clinical testing. Allele origin: germline.
Comment: This sequence change replaces arginine, which is basic and polar, with lysine, which is basic and polar, at codon 580 of the MET protein (p.Arg580Lys). This variant is present in population databases (rs201975130, gnomAD no frequency). This variant has not been reported in the literature in individuals affected with MET-related conditions. ClinVar contains an entry for this variant (Variation ID: 135962). Advanced modeling of protein sequence and biophysical properties (such as structural, functional, and spatial information, amino acid conservation, physicochemical variation, residue mobility, and thermodynamic stability) performed at Invitae indicates that this missense variant is not expected to disrupt MET protein function with a negative predictive value of 80%. In summary, the available evidence is currently insufficient to determine the role of this variant in disease. Therefore, it has been classified as a Variant of Uncertain Significance.